The following is an entry in ClinVar:

ClinVar aggregate classification (germline): Uncertain significance (1 of 4 stars; one submission).

Conditions:
Cardiovascular phenotype. Identifiers: MedGen CN230736.

Submission:

Ambry Genetics
Classification: Uncertain significance for Cardiovascular phenotype. Last evaluated: 2026-06-27. Review status: criteria provided, single submitter. Criteria: Ambry Variant Classification Scheme 2023. Collection method: clinical testing. Allele origin: germline.
Comment: The p.R195Q variant (also known as c.584G>A), located in coding exon 1 of the CHST14 gene, results from a G to A substitution at nucleotide position 584. The arginine at codon 195 is replaced by glutamine, an amino acid with highly similar properties. This amino acid position is conserved. In addition, this alteration is predicted to be tolerated by in silico analysis. Based on the available evidence, the clinical significance of this variant remains unclear.

NM_130468.4(CHST14):c.584G>A (p.Arg195Gln)

Gene: CHST14 (carbohydrate sulfotransferase 14; plus strand). Cytogenetic location: 15q15.1.
Variant type: single nucleotide variant.
Coding change: c.584G>A on transcript NM_130468.4 (MANE Select); coding-DNA position 584, G replaced by A.
Protein change: p.Arg195Gln; replaces arginine 195 with glutamine.
Molecular consequence: missense variant.
Genome position (GRCh38, 1-based): chr15:40,471,797, G>A. VCF-style: chr15-40471797-G-A. GRCh37 (hg19) VCF-style: chr15-40763996-G-A.
Other names: short protein forms R195Q.
Identifiers: ClinVar variation 5034592 (VCV005034592.1).